The following is an entry in ClinVar:

ClinVar aggregate classification (germline): Uncertain significance (1 of 4 stars; one submission).

Allele frequency attached by ClinVar (database versions not stated): gnomAD exomes below 0.00001; TOPMed 0.00001.
gnomAD v4.1: 4 of 1,613,836 alleles (0.00025%); highest among the groups gnomAD compares: East Asian, 0.0022%; no homozygotes.

Submission:

Ambry Genetics
Classification: Uncertain significance. Last evaluated: 2024-07-16. Review status: criteria provided, single submitter. Criteria: Ambry Variant Classification Scheme 2023. Collection method: clinical testing. Allele origin: germline.
Comment: The p.R254* variant (also known as c.760C>T), located in coding exon 7 of the KIF1B gene, results from a C to T substitution at nucleotide position 760. This changes the amino acid from an arginine to a stop codon within coding exon 7. This alteration is expected to result in premature protein truncation or nonsense-mediated mRNA decay. The evidence for this gene-disease relationship is limited; therefore, the clinical significance of this alteration is unclear.

NM_001365951.3(KIF1B):c.760C>T (p.Arg254Ter)

Gene: KIF1B (kinesin family member 1B; plus strand). Cytogenetic location: 1p36.22.
Variant type: single nucleotide variant.
Coding change: c.760C>T on transcript NM_001365951.3 (MANE Select); coding-DNA position 760, C replaced by T.
Protein change: p.Arg254Ter; replaces arginine 254 with a stop codon.
Molecular consequence: nonsense.
Genome position (GRCh38, 1-based): chr1:10,271,541, C>T. VCF-style: chr1-10271541-C-T. GRCh37 (hg19) VCF-style: chr1-10331599-C-T.
Other names: c.760C>T, p.Arg254Ter (NM_001365952.1, NM_001365953.1, NM_015074.3 and 1 more transcripts); short protein forms R254*.
Identifiers: ClinVar variation 1759783 (VCV001759783.3), dbSNP rs981033475, ClinGen allele CA17837944.
Genomic context (GRCh38, chr1:10,271,541, plus strand): 5'-CATGTTATTGTTCTTTATCAGGTCAGTAAAATCAGCTTGGTGGATCTAGCAGGAAGTGAA[C>T]GAGCTGATTCAACTGGTGCCAAAGGGACTCGATTAAAGGTATTTATTTTAGCAAATAAAT-3'